The following is an entry in ClinVar:

NM_001102564.3(IFT43):c.100G>A (p.Glu34Lys)

Gene: IFT43 (intraflagellar transport 43; plus strand). Cytogenetic location: 14q24.3.
Variant type: single nucleotide variant.
Coding change: c.100G>A on transcript NM_001102564.3 (MANE Select); coding-DNA position 100, G replaced by A.
Protein change: p.Glu34Lys; replaces glutamic acid 34 with lysine.
Molecular consequence: missense variant. On other transcripts: non-coding transcript variant (2).
Genome position (GRCh38, 1-based): chr14:75,988,930, G>A. VCF-style: chr14-75988930-G-A. GRCh37 (hg19) VCF-style: chr14-76455273-G-A.
Other names: c.100G>A, p.Glu34Lys (NM_001255995.3, NM_052873.3); short protein forms E34K.
Identifiers: ClinVar variation 489395 (VCV000489395.8), dbSNP rs140366557, ClinGen allele CA7280641.
Genomic context (GRCh38, chr14:75,988,930, plus strand): 5'-TGTTTCTCCTTACAGAGGGCCAAGATGGGTCGCCGAGCTCAACAGGAGTCAGCGCAGGCC[G>A]AGAATCACCTCAATGGCAAGAATTCCTCTTTGACTCTGACTGGAGAGGTGGGTGCTAAAA-3'
Protein context (NP_001096034.1, residues 24-44): RRAQQESAQA[Glu34Lys]NHLNGKNSSL

ClinVar aggregate classification (germline): Conflicting classifications of pathogenicity. Review status: criteria provided, conflicting classifications (1 of 4 stars). 5 submissions from 5 submitters: Likely pathogenic (3); Uncertain significance (1). 1 of the submissions does not count toward it. Last evaluated 2025-04-11.

Conditions:
Retinitis pigmentosa 81 (RP81). Identifiers: MedGen C4693443, MONDO:0036482, OMIM 617871.
IFT43-related disorders.
Short-rib thoracic dysplasia 18 with polydactyly. Identifiers: MedGen C4693420, MONDO:0036483, OMIM 617866.
Cranioectodermal dysplasia 3 (CED3). Identifiers: Orphanet 1515, MedGen C3279807, MONDO:0013573, OMIM 614099.

Allele frequency attached by ClinVar (database versions not stated): gnomAD 0.00009; gnomAD exomes 0.00010 and 0.00011; TOPMed 0.00011; ExAC 0.00012; ESP Exome Variant Server 0.00015; 1000 Genomes Project 30x 0.00016; 1000 Genomes Project 0.00020.
gnomAD v4.1: 154 of 1,614,024 alleles (0.0095%); highest among the groups gnomAD compares: South Asian, 0.054%; 1 homozygote.

Submissions (5):

First Genomix Gene Laboratory, Genetic Diagnostics Department
Classification: Likely pathogenic for Cranioectodermal dysplasia 3; Retinitis pigmentosa 81; Short-rib thoracic dysplasia 18 with polydactyly. Last evaluated: 2025-04-11. Review status: criteria provided, single submitter. Criteria: ACMG Guidelines, 2015. Collection method: clinical testing. Allele origin: germline. Inheritance: Autosomal recessive inheritance. Affected: no. Observed: 1 variant allele.

Blueprint Genetics
Classification: Likely pathogenic for IFT43-related disorders. Last evaluated: 2024-11-18. Review status: criteria provided, single submitter. Criteria: ACMG Guidelines, 2015. Collection method: clinical testing. Allele origin: germline. Affected: yes. Observed: 5 variant alleles.

Labcorp Genetics (formerly Invitae), Labcorp
Classification: Uncertain significance. Last evaluated: 2022-10-04. Review status: criteria provided, single submitter. Criteria: Invitae Variant Classification Sherloc (09022015). Collection method: clinical testing. Allele origin: germline.
Comment: This sequence change replaces glutamic acid, which is acidic and polar, with lysine, which is basic and polar, at codon 34 of the IFT43 protein (p.Glu34Lys). This variant is present in population databases (rs140366557, gnomAD 0.05%), including at least one homozygous and/or hemizygous individual. This missense change has been observed in individual(s) with autosomal recessive non-syndromic retinitis pigmentosa (PMID: 28973684). ClinVar contains an entry for this variant (Variation ID: 489395). Algorithms developed to predict the effect of missense changes on protein structure and function output the following: SIFT: "Tolerated"; PolyPhen-2: "Probably Damaging"; Align-GVGD: "Class C0". The lysine amino acid residue is found in multiple mammalian species, which suggests that this missense change does not adversely affect protein function. Experimental studies have shown that this missense change affects IFT43 function (PMID: 28973684). In summary, the available evidence is currently insufficient to determine the role of this variant in disease. Therefore, it has been classified as a Variant of Uncertain Significance.

SIB Swiss Institute of Bioinformatics
Classification: Likely pathogenic for Retinitis pigmentosa 81. Last evaluated: 2018-10-15. Review status: criteria provided, single submitter. Criteria: ACMG Guidelines, 2015. Collection method: curation. Allele origin: unknown.
Comment: This variant is interpreted as Likely Pathogenic, for Retinitis pigmentosa 81, autosomal recessive. The following ACMG Tag(s) were applied: PM2 => Absent from controls (or at extremely low frequency if recessive) in Exome Sequencing Project, 1000 Genomes Project, or Exome Aggregation Consortium. PS3-Moderate => PS3 downgraded in strength to Moderate (PubMed 28973684). PP1-Moderate => PP1 upgraded in strength to Moderate (PubMed 28973684).

OMIM
Classification: Pathogenic for RETINITIS PIGMENTOSA 81 (1 family). Last evaluated: 2019-08-09. Review status: no assertion criteria provided. Collection method: literature only. Allele origin: germline. Not counted in ClinVar's aggregate classification.

Literature cited by the submitters: PubMed 28973684 (cited by 3 submitters).